The following is an entry in ClinVar:

NM_005263.5(GFI1):c.107G>C (p.Ser36Thr)

Gene: GFI1 (growth factor independent 1 transcriptional repressor; minus strand). Cytogenetic location: 1p22.1.
Variant type: single nucleotide variant.
Coding change: c.107G>C on transcript NM_005263.5 (MANE Select); coding-DNA position 107, G replaced by C.
Protein change: p.Ser36Thr; replaces serine 36 with threonine.
Molecular consequence: missense variant.
Genome position (GRCh38, 1-based): chr1:92,483,381, C>G on the plus strand (G>C on the coding strand, the complement: GFI1 is on the minus strand). VCF-style: chr1-92483381-C-G. GRCh37 (hg19) VCF-style: chr1-92948938-C-G.
Other names: c.107G>C, p.Ser36Thr (NM_001127215.3, NM_001127216.3); short protein forms S36T.
Identifiers: ClinVar variation 4843286 (VCV004843286.1).

ClinVar aggregate classification (germline): Uncertain significance (1 of 4 stars; one submission).

Submission:

Ambry Genetics
Classification: Uncertain significance. Last evaluated: 2025-12-29. Review status: criteria provided, single submitter. Criteria: Ambry Variant Classification Scheme 2023. Collection method: clinical testing. Allele origin: germline.
Comment: The p.S36T variant (also known as c.107G>C), located in coding exon 1 of the GFI1 gene, results from a G to C substitution at nucleotide position 107. The serine at codon 36 is replaced by threonine, an amino acid with similar properties. This amino acid position is conserved. In addition, this alteration is predicted to be tolerated by in silico analysis. Based on the available evidence, the clinical significance of this variant remains unclear.